The following is an entry in ClinVar:

NM_013372.7(GREM1):c.326A>G (p.Asn109Ser)

Gene: GREM1 (gremlin 1, DAN family BMP antagonist; plus strand). Cytogenetic location: 15q13.3.
Variant type: single nucleotide variant.
Coding change: c.326A>G on transcript NM_013372.7 (MANE Select); coding-DNA position 326, A replaced by G.
Protein change: p.Asn109Ser; replaces asparagine 109 with serine.
Molecular consequence: missense variant.
Genome position (GRCh38, 1-based): chr15:32,731,016, A>G. VCF-style: chr15-32731016-A-G. GRCh37 (hg19) VCF-style: chr15-33023217-A-G.
Other names: c.116A>G, p.Asn39Ser (NM_001191322.2); c.203A>G, p.Asn68Ser (NM_001191323.2); c.326A>G, p.Asn109Ser (NM_001368719.1); short protein forms N68S, N109S, N39S.
Identifiers: ClinVar variation 1729600 (VCV001729600.2), dbSNP rs2548707820, ClinGen allele CA391557695.

ClinVar aggregate classification (germline): Uncertain significance (1 of 4 stars; one submission).

Conditions:
Hereditary cancer-predisposing syndrome. Also called: Neoplastic Syndromes, Hereditary; Tumor predisposition; Hereditary Cancer Syndrome; Hereditary neoplastic syndrome. Identifiers: Orphanet 140162, MedGen C0027672, MeSH D009386, MONDO:0015356.

Submission:

Ambry Genetics
Classification: Uncertain significance for Hereditary cancer-predisposing syndrome. Last evaluated: 2022-03-16. Review status: criteria provided, single submitter. Criteria: Ambry Variant Classification Scheme 2023. Collection method: clinical testing. Allele origin: germline.
Comment: The p.N109S variant (also known as c.326A>G), located in coding exon 1 of the GREM1 gene, results from an A to G substitution at nucleotide position 326. The asparagine at codon 109 is replaced by serine, an amino acid with highly similar properties. This amino acid position is conserved. In addition, this alteration is predicted to be tolerated by in silico analysis. Since supporting evidence is limited at this time, the clinical significance of this alteration remains unclear.